The following is an entry in ClinVar:

ClinVar aggregate classification (germline): Uncertain significance (1 of 4 stars; one submission).

Submission:

Labcorp Genetics (formerly Invitae), Labcorp
Classification: Uncertain significance. Last evaluated: 2022-02-02. Review status: criteria provided, single submitter. Criteria: Invitae Variant Classification Sherloc (09022015). Collection method: clinical testing. Allele origin: germline.
Comment: Algorithms developed to predict the effect of missense changes on protein structure and function are either unavailable or do not agree on the potential impact of this missense change (SIFT: "Deleterious"; PolyPhen-2: "Probably Damaging"; Align-GVGD: "Class C0"). Algorithms developed to predict the effect of sequence changes on RNA splicing suggest that this variant may create or strengthen a splice site. In summary, the available evidence is currently insufficient to determine the role of this variant in disease. Therefore, it has been classified as a Variant of Uncertain Significance. This sequence change replaces leucine, which is neutral and non-polar, with glutamine, which is neutral and polar, at codon 1350 of the PTPN23 protein (p.Leu1350Gln). This variant has not been reported in the literature in individuals affected with PTPN23-related conditions. This variant is not present in population databases (gnomAD no frequency).

NM_015466.4(PTPN23):c.4049T>A (p.Leu1350Gln)

Gene: PTPN23 (protein tyrosine phosphatase non-receptor type 23; plus strand). Cytogenetic location: 3p21.31.
Variant type: single nucleotide variant.
Coding change: c.4049T>A on transcript NM_015466.4 (MANE Select); coding-DNA position 4049, T replaced by A.
Protein change: p.Leu1350Gln; replaces leucine 1350 with glutamine.
Molecular consequence: missense variant.
Genome position (GRCh38, 1-based): chr3:47,411,943, T>A. VCF-style: chr3-47411943-T-A. GRCh37 (hg19) VCF-style: chr3-47453433-T-A.
Other names: c.3671T>A, p.Leu1224Gln (NM_001304482.2); short protein forms L1224Q, L1350Q.
Identifiers: ClinVar variation 1479271 (VCV001479271.8), dbSNP rs2107726574, ClinGen allele CA352565068.